The following is an entry in ClinVar:

NM_001211.6(BUB1B):c.2827G>A (p.Ala943Thr)

Genes: BUB1B (BUB1 mitotic checkpoint serine/threonine kinase B; plus strand), BUB1B-PAK6 (BUB1B-PAK6 readthrough; plus strand). Cytogenetic location: 15q15.1.
Variant type: single nucleotide variant.
Coding change: c.2827G>A on transcript NM_001211.6 (MANE Select); coding-DNA position 2827, G replaced by A.
Protein change: p.Ala943Thr; replaces alanine 943 with threonine.
Molecular consequence: missense variant. On other transcripts: 5 prime UTR variant (2).
Genome position (GRCh38, 1-based): chr15:40,217,644, G>A. VCF-style: chr15-40217644-G-A. GRCh37 (hg19) VCF-style: chr15-40509845-G-A.
Other names: c.-224G>A (NM_001128628.3); c.-141G>A (NM_001128629.3); short protein forms A943T.
Identifiers: ClinVar variation 1796514 (VCV001796514.5), dbSNP rs2542585130, ClinGen allele CA391688108.
Genomic context (GRCh38, chr15:40,217,644, plus strand): 5'-GATGTTTTTACCCTCAGCGGCTTTCGGACTGTACAGATCCTGGAAGGACAAAAGATCCTG[G>A]CTAACTGTTCTTCTCCCTACCAGGTAAGTGTAAAACAAGCCTGAGCAAATATGGAGAGGG-3'
Protein context (NP_001202.5, residues 933-953): VQILEGQKIL[Ala943Thr]NCSSPYQVDL

ClinVar aggregate classification (germline): Uncertain significance. Review status: criteria provided, multiple submitters, no conflicts (2 of 4 stars). 2 submissions from 2 submitters: Uncertain significance (2). Last evaluated 2023-06-24.

Conditions:
Inborn genetic diseases. Identifiers: MedGen C0950123, MeSH D030342.
Mosaic variegated aneuploidy syndrome 1 (MVA1). Also called: Warburton-Anyane-Yeboa syndrome. Identifiers: Orphanet 1052, MedGen C1850343, MONDO:0009759, OMIM 257300.

Submissions (2):

Labcorp Genetics (formerly Invitae), Labcorp
Classification: Uncertain significance for Mosaic variegated aneuploidy syndrome 1. Last evaluated: 2023-06-24. Review status: criteria provided, single submitter. Criteria: Invitae Variant Classification Sherloc (09022015). Collection method: clinical testing. Allele origin: germline.
Comment: An algorithm developed to predict the effect of missense changes on protein structure and function (PolyPhen-2) suggests that this variant is likely to be tolerated. ClinVar contains an entry for this variant (Variation ID: 1796514). This variant has not been reported in the literature in individuals affected with BUB1B-related conditions. This variant is not present in population databases (gnomAD no frequency). This sequence change replaces alanine, which is neutral and non-polar, with threonine, which is neutral and polar, at codon 943 of the BUB1B protein (p.Ala943Thr). In summary, the available evidence is currently insufficient to determine the role of this variant in disease. Therefore, it has been classified as a Variant of Uncertain Significance.

Ambry Genetics
Classification: Uncertain significance for Inborn genetic diseases. Last evaluated: 2022-01-30. Review status: criteria provided, single submitter. Criteria: Ambry Variant Classification Scheme 2023. Collection method: clinical testing. Allele origin: germline.
Comment: The p.A943T variant (also known as c.2827G>A), located in coding exon 21 of the BUB1B gene, results from a G to A substitution at nucleotide position 2827. The alanine at codon 943 is replaced by threonine, an amino acid with similar properties. This amino acid position is conserved. In addition, this alteration is predicted to be tolerated by in silico analysis. Since supporting evidence is limited at this time, the clinical significance of this alteration remains unclear.